The following is an entry in ClinVar:

NM_004527.4(MEOX1):c.378C>T (p.Thr126=)

Gene: MEOX1 (mesenchyme homeobox 1; minus strand). Cytogenetic location: 17q21.31.
Variant type: single nucleotide variant.
Coding change: c.378C>T on transcript NM_004527.4 (MANE Select); coding-DNA position 378, C replaced by T.
Protein change: p.Thr126=; no amino-acid change (threonine 126 retained).
Molecular consequence: synonymous variant.
Genome position (GRCh38, 1-based): chr17:43,661,157, G>A on the plus strand (C>T on the coding strand, the complement: MEOX1 is on the minus strand). VCF-style: chr17-43661157-G-A. GRCh37 (hg19) VCF-style: chr17-41738525-G-A.
Other names: c.33C>T, p.Thr11= (NM_001040002.2); c.378C>T, p.Thr126= (NM_013999.4); c.378C>T (NM_004527.3).
Identifiers: ClinVar variation 1539483 (VCV001539483.9), dbSNP rs778764520, ClinGen allele CA8592643.

ClinVar aggregate classification (germline): Likely benign. Review status: criteria provided, multiple submitters, no conflicts (2 of 4 stars). 2 submissions from 2 submitters: Likely benign (2). Last evaluated 2026-02-05.

Conditions:
MEOX1-related disorder. Also called: MEOX1-related condition.

Allele frequency attached by ClinVar (database versions not stated): gnomAD 0.00001; gnomAD exomes 0.00001 and 0.00004; TOPMed 0.00001; ExAC 0.00003.
gnomAD v4.1: 9 of 1,582,612 alleles (0.00057%); highest among the groups gnomAD compares: Admixed American, 0.014%; no homozygotes.

Submissions (2):

PreventionGenetics, part of Exact Sciences
Classification: Likely benign for MEOX1-related condition. Last evaluated: 2026-02-05. Review status: criteria provided, single submitter. Criteria: ACMG Guidelines, 2015. Collection method: clinical testing. Allele origin: germline.
Comment: This variant is classified as likely benign based on ACMG/AMP sequence variant interpretation guidelines (Richards et al. 2015 PMID: 25741868, with internal and published modifications).

Labcorp Genetics (formerly Invitae), Labcorp
Classification: Likely benign. Last evaluated: 2025-12-03. Review status: criteria provided, single submitter. Criteria: Invitae Variant Classification Sherloc (09022015). Collection method: clinical testing. Allele origin: germline.